The following is an entry in ClinVar:

ClinVar aggregate classification (germline): Uncertain significance (1 of 4 stars; one submission).

Conditions:
Progressive microcephaly-seizures-cortical blindness-developmental delay syndrome. Also called: Seizures, cortical blindness, and microcephaly syndrome. Identifiers: Orphanet 477814, MedGen C5567650, MONDO:0014714, OMIM 616632.
Autosomal dominant nonsyndromic hearing loss 1. Also called: KONIGSMARK SYNDROME; DEAFNESS, AUTOSOMAL DOMINANT 1, WITH OR WITHOUT THROMBOCYTOPENIA. Identifiers: Orphanet 90635, MedGen C1852282, MONDO:0007424, OMIM 124900.

Allele frequency attached by ClinVar (database versions not stated): TOPMed below 0.00001; gnomAD exomes 0.00001.
gnomAD v4.1: 9 of 1,608,944 alleles (0.00056%); highest among the groups gnomAD compares: Non-Finnish European, 0.00076%; no homozygotes.

Submission:

Labcorp Genetics (formerly Invitae), Labcorp
Classification: Uncertain significance for Progressive microcephaly-seizures-cortical blindness-developmental delay syndrome; Autosomal dominant nonsyndromic hearing loss 1. Last evaluated: 2023-10-17. Review status: criteria provided, single submitter. Criteria: Invitae Variant Classification Sherloc (09022015). Collection method: clinical testing. Allele origin: germline.
Comment: This sequence change falls in intron 18 of the DIAPH1 gene. It does not directly change the encoded amino acid sequence of the DIAPH1 protein. It affects a nucleotide within the consensus splice site. This variant is not present in population databases (gnomAD no frequency). This variant has not been reported in the literature in individuals affected with DIAPH1-related conditions. Variants that disrupt the consensus splice site are a relatively common cause of aberrant splicing (PMID: 17576681, 9536098). Algorithms developed to predict the effect of sequence changes on RNA splicing suggest that this variant may disrupt the consensus splice site. In summary, the available evidence is currently insufficient to determine the role of this variant in disease. Therefore, it has been classified as a Variant of Uncertain Significance.

Literature cited by the submitters: PubMed 17576681; PubMed 9536098.

NM_005219.5(DIAPH1):c.2482+4A>G

Gene: DIAPH1 (diaphanous related formin 1; minus strand). Cytogenetic location: 5q31.3.
Variant type: single nucleotide variant.
Coding change: c.2482+4A>G on transcript NM_005219.5 (MANE Select); 4 bases into the intron after coding-DNA position 2482, A replaced by G.
Molecular consequence: intron variant.
Genome position (GRCh38, 1-based): chr5:141,571,424, T>C on the plus strand (A>G on the coding strand, the complement: DIAPH1 is on the minus strand). VCF-style: chr5-141571424-T-C. GRCh37 (hg19) VCF-style: chr5-140950991-T-C.
Other names: c.2455+4A>G (NM_001079812.3); c.2482+4A>G (NM_001314007.2).
Identifiers: ClinVar variation 2937497 (VCV002937497.3), dbSNP rs2099895166, ClinGen allele CA1587269483.